The following is an entry in ClinVar:

ClinVar aggregate classification (germline): Uncertain significance (1 of 4 stars; one submission).

Conditions:
Congenital muscular hypertrophy-cerebral syndrome (CDLS2). Also called: Cornelia de Lange syndrome 2; SMC1A-Related Cornelia de Lange Syndrome. Identifiers: Orphanet 199, MedGen C1802395, MONDO:0010370, OMIM 300590.

Submission:

Labcorp Genetics (formerly Invitae), Labcorp
Classification: Uncertain significance for Congenital muscular hypertrophy-cerebral syndrome. Last evaluated: 2025-01-14. Review status: criteria provided, single submitter. Criteria: Invitae Variant Classification Sherloc (09022015). Collection method: clinical testing. Allele origin: germline.
Comment: This sequence change replaces isoleucine, which is neutral and non-polar, with valine, which is neutral and non-polar, at codon 489 of the SMC1A protein (p.Ile489Val). This variant is not present in population databases (gnomAD no frequency). This variant has not been reported in the literature in individuals affected with SMC1A-related conditions. Invitae Evidence Modeling of protein sequence and biophysical properties (such as structural, functional, and spatial information, amino acid conservation, physicochemical variation, residue mobility, and thermodynamic stability) indicates that this missense variant is not expected to disrupt SMC1A protein function with a negative predictive value of 80%. In summary, the available evidence is currently insufficient to determine the role of this variant in disease. Therefore, it has been classified as a Variant of Uncertain Significance.

NM_006306.4(SMC1A):c.1465A>G (p.Ile489Val)

Gene: SMC1A (structural maintenance of chromosomes 1A; minus strand). Cytogenetic location: Xp11.22.
Variant type: single nucleotide variant.
Coding change: c.1465A>G on transcript NM_006306.4 (MANE Select); coding-DNA position 1465, A replaced by G.
Protein change: p.Ile489Val; replaces isoleucine 489 with valine.
Molecular consequence: missense variant.
Genome position (GRCh38, 1-based): chrX:53,409,142, T>C on the plus strand (A>G on the coding strand, the complement: SMC1A is on the minus strand). VCF-style: chrX-53409142-T-C. GRCh37 (hg19) VCF-style: chrX-53436073-T-C.
Other names: c.1399A>G, p.Ile467Val (NM_001281463.1); short protein forms I489V, I467V.
Identifiers: ClinVar variation 3719780 (VCV003719780.2).